The following is an entry in ClinVar:

ClinVar aggregate classification (germline): Uncertain significance. Review status: criteria provided, multiple submitters, no conflicts (2 of 4 stars). 2 submissions from 2 submitters: Uncertain significance (2). Last evaluated 2025-02-17.

Allele frequency attached by ClinVar (database versions not stated): gnomAD 0.00001 and 0.00003; gnomAD exomes 0.00003 and 0.00006; TOPMed 0.00003; ExAC 0.00004.
gnomAD v4.1: 41 of 1,612,436 alleles (0.0025%); highest among the groups gnomAD compares: South Asian, 0.028%; 1 homozygote.

Submissions (2):

Labcorp Genetics (formerly Invitae), Labcorp
Classification: Uncertain significance. Last evaluated: 2025-02-17. Review status: criteria provided, single submitter. Criteria: Invitae Variant Classification Sherloc (09022015). Collection method: clinical testing. Allele origin: germline.
Comment: This sequence change replaces threonine, which is neutral and polar, with methionine, which is neutral and non-polar, at codon 1083 of the NLRP1 protein (p.Thr1083Met). This variant is present in population databases (rs756567220, gnomAD 0.04%). This missense change has been observed in individual(s) with clinical features of NLRP1-related conditions (PMID: 36703223). ClinVar contains an entry for this variant (Variation ID: 1301557). An algorithm developed to predict the effect of missense changes on protein structure and function outputs the following: PolyPhen-2: "Benign". The methionine amino acid residue is found in multiple mammalian species, which suggests that this missense change does not adversely affect protein function. In summary, the available evidence is currently insufficient to determine the role of this variant in disease. Therefore, it has been classified as a Variant of Uncertain Significance.

Dubai Health Genomic Medicine Center, Dubai Health
Classification: Uncertain significance. Last evaluated: 2020-08-13. Review status: criteria provided, single submitter. Criteria: ACMG Guidelines, 2015. Collection method: clinical testing. Allele origin: germline. Affected: yes.

Literature cited by the submitters: PubMed 36703223 (cited by Labcorp Genetics (formerly Invitae), Labcorp).

NM_033004.4(NLRP1):c.3248C>T (p.Thr1083Met)

Gene: NLRP1 (NLR family pyrin domain containing 1; minus strand). Cytogenetic location: 17p13.2.
Variant type: single nucleotide variant.
Coding change: c.3248C>T on transcript NM_033004.4 (MANE Select); coding-DNA position 3248, C replaced by T.
Protein change: p.Thr1083Met; replaces threonine 1083 with methionine.
Molecular consequence: missense variant.
Genome position (GRCh38, 1-based): chr17:5,532,870, G>A on the plus strand (C>T on the coding strand, the complement: NLRP1 is on the minus strand). VCF-style: chr17-5532870-G-A. GRCh37 (hg19) VCF-style: chr17-5436190-G-A.
Other names: c.3260C>T, p.Thr1087Met (NM_001033053.3); c.3248C>T, p.Thr1083Met (NM_014922.5); c.3158C>T, p.Thr1053Met (NM_033006.4, NM_033007.4); short protein forms T1053M, T1083M, T1087M.
Identifiers: ClinVar variation 1301557 (VCV001301557.7), dbSNP rs756567220, ClinGen allele CA8326891.